The following is an entry in ClinVar:

ClinVar aggregate classification (germline): Likely benign (0 of 4 stars; one submission).

Conditions:
COG1-related disorder. Also called: COG1-related condition.

Submission:

PreventionGenetics, part of Exact Sciences
Classification: Likely benign for COG1-related condition. Last evaluated: 2019-09-17. Review status: no assertion criteria provided. Collection method: clinical testing. Allele origin: germline.
Comment: This variant is classified as likely benign based on ACMG/AMP sequence variant interpretation guidelines (Richards et al. 2015 PMID: 25741868, with internal and published modifications).

NM_018714.3(COG1):c.1425C>T (p.Leu475=)

Gene: COG1 (component of oligomeric golgi complex 1; plus strand). Cytogenetic location: 17q25.1.
Variant type: single nucleotide variant.
Coding change: c.1425C>T on transcript NM_018714.3 (MANE Select); coding-DNA position 1425, C replaced by T.
Protein change: p.Leu475=; no amino-acid change (leucine 475 retained).
Molecular consequence: synonymous variant.
Genome position (GRCh38, 1-based): chr17:73,201,252, C>T. VCF-style: chr17-73201252-C-T. GRCh37 (hg19) VCF-style: chr17-71197391-C-T.
Identifiers: ClinVar variation 3354734 (VCV003354734.1).
Genomic context (GRCh38, chr17:73,201,252, plus strand): 5'-CACCAGCAACTCCCCTTCAAATAAGCACATCCACTTTGAGTACAACATGTCGCTCTTCCT[C>T]TGGTCTGAGAGTCCTAATGACCTGCCTTCCGATGCGGCCTGGGTCAGCGTGGCAAACCGG-3'
Protein context (NP_061184.1, residues 465-485): IHFEYNMSLF[Leu475=]WSESPNDLPS